The following is an entry in ClinVar:

ClinVar aggregate classification (germline): Uncertain significance (1 of 4 stars; one submission).

Conditions:
Hypertrophic cardiomyopathy. Also called: HYPERTROPHIC MYOCARDIOPATHY. Identifiers: Orphanet 217569, MedGen C0007194, MeSH D002312, MONDO:0005045, HP:0001639.

Submission:

Labcorp Genetics (formerly Invitae), Labcorp
Classification: Uncertain significance for Hypertrophic cardiomyopathy. Last evaluated: 2024-05-22. Review status: criteria provided, single submitter. Criteria: Invitae Variant Classification Sherloc (09022015). Collection method: clinical testing. Allele origin: germline.
Comment: This sequence change replaces aspartic acid, which is acidic and polar, with glycine, which is neutral and non-polar, at codon 1432 of the MYOM1 protein (p.Asp1432Gly). This variant is not present in population databases (gnomAD no frequency). This variant has not been reported in the literature in individuals affected with MYOM1-related conditions. Advanced modeling of protein sequence and biophysical properties (such as structural, functional, and spatial information, amino acid conservation, physicochemical variation, residue mobility, and thermodynamic stability) performed at Invitae indicates that this missense variant is expected to disrupt MYOM1 protein function with a positive predictive value of 80%. In summary, the available evidence is currently insufficient to determine the role of this variant in disease. Therefore, it has been classified as a Variant of Uncertain Significance.

NM_003803.4(MYOM1):c.4295A>G (p.Asp1432Gly)

Gene: MYOM1 (myomesin 1; minus strand). Cytogenetic location: 18p11.31.
Variant type: single nucleotide variant.
Coding change: c.4295A>G on transcript NM_003803.4 (MANE Select); coding-DNA position 4295, A replaced by G.
Protein change: p.Asp1432Gly; replaces aspartic acid 1432 with glycine.
Molecular consequence: missense variant.
Genome position (GRCh38, 1-based): chr18:3,085,089, T>C on the plus strand (A>G on the coding strand, the complement: MYOM1 is on the minus strand). VCF-style: chr18-3085089-T-C. GRCh37 (hg19) VCF-style: chr18-3085087-T-C.
Other names: c.4007A>G, p.Asp1336Gly (NM_019856.2); short protein forms D1336G, D1432G.
Identifiers: ClinVar variation 2858275 (VCV002858275.3), dbSNP rs2510490113, ClinGen allele CA401710362.